The following is an entry in ClinVar:

NM_001148.6(ANK2):c.625G>T (p.Ala209Ser)

Gene: ANK2 (ankyrin 2; plus strand). Cytogenetic location: 4q26.
Variant type: single nucleotide variant.
Coding change: c.625G>T on transcript NM_001148.6 (MANE Select); coding-DNA position 625, G replaced by T.
Protein change: p.Ala209Ser; replaces alanine 209 with serine.
Molecular consequence: missense variant.
Genome position (GRCh38, 1-based): chr4:113,237,128, G>T. VCF-style: chr4-113237128-G-T. GRCh37 (hg19) VCF-style: chr4-114158284-G-T.
Other names: c.562G>T, p.Ala188Ser (NM_001127493.3, NM_001354239.2, NM_001354243.2 and 33 more transcripts); c.625G>T, p.Ala209Ser (NM_001354225.2, NM_001354228.2, NM_001354232.2 and 9 more transcripts); c.670G>T, p.Ala224Ser (NM_001354230.2, NM_001354231.2, NM_001354237.2 and 5 more transcripts); c.607G>T, p.Ala203Ser (NM_001354261.2, NM_001386147.1, NM_001386160.1); c.613G>T, p.Ala205Ser (NM_001354269.3, NM_001386148.2, NM_001386186.2 and 1 more transcripts); c.676G>T, p.Ala226Ser (NM_001386174.1, NM_001386175.1); short protein forms A188S, A209S, A205S, A203S, A224S, A226S.
Identifiers: ClinVar variation 406461 (VCV000406461.7), dbSNP rs1060501154, ClinGen allele CA16611403.

ClinVar aggregate classification (germline): Uncertain significance. Review status: criteria provided, multiple submitters, no conflicts (2 of 4 stars). 3 submissions from 3 submitters: Uncertain significance (3). Last evaluated 2021-08-27.

Conditions:
Brugada syndrome. Also called: Sudden unexpected nocturnal death syndrome; Sudden unexplained nocturnal death syndrome; Sudden Unexplained Death Syndrome; Sudden Unexplained Nocturnal Death Syndrome (SUNDS). Identifiers: Orphanet 130, MedGen C1142166, MONDO:0015263.
Long QT syndrome (LQTS). Identifiers: MedGen C0023976, MeSH D008133, MONDO:0002442. Disease mechanism: loss of function. Inheritance: Various modes of inheritance.
Cardiovascular phenotype. Identifiers: MedGen CN230736.

Allele frequency attached by ClinVar (database versions not stated): gnomAD exomes below 0.00001.
gnomAD v4.1: 32 of 1,614,064 alleles (0.002%); highest among the groups gnomAD compares: Non-Finnish European, 0.0027%; no homozygotes.

Submissions (3):

Labcorp Genetics (formerly Invitae), Labcorp
Classification: Uncertain significance for Long QT syndrome. Last evaluated: 2021-08-27. Review status: criteria provided, single submitter. Criteria: Invitae Variant Classification Sherloc (09022015). Collection method: clinical testing. Allele origin: germline.
Comment: This sequence change replaces alanine with serine at codon 209 of the ANK2 protein (p.Ala209Ser). The alanine residue is moderately conserved and there is a moderate physicochemical difference between alanine and serine. This variant is not present in population databases (ExAC no frequency). This variant has not been reported in the literature in individuals affected with ANK2-related conditions. Algorithms developed to predict the effect of missense changes on protein structure and function are either unavailable or do not agree on the potential impact of this missense change (SIFT: "Tolerated"; PolyPhen-2: "Probably Damaging"; Align-GVGD: "Class C0"). In summary, the available evidence is currently insufficient to determine the role of this variant in disease. Therefore, it has been classified as a Variant of Uncertain Significance.

Department of Pathology and Laboratory Medicine, Sinai Health System
Classification: Uncertain significance for Brugada syndrome. Last evaluated: 2021-07-30. Review status: criteria provided, single submitter. Criteria: ACMG Guidelines, 2015. Collection method: research. Allele origin: germline.

Ambry Genetics
Classification: Uncertain significance for Cardiovascular phenotype. Last evaluated: 2016-02-17. Review status: criteria provided, single submitter. Criteria: Ambry Variant Classification Scheme 2023. Collection method: clinical testing. Allele origin: germline.
Comment: The p.A209S variant (also known as c.625G>T), located in coding exon 6 of the ANK2 gene, results from a G to T substitution at nucleotide position 625. The alanine at codon 209 is replaced by serine, an amino acid with some similar properties. This variant was not reported in population based cohorts in the following databases: Database of Single Nucleotide Polymorphisms (dbSNP), NHLBI Exome Sequencing Project (ESP), and 1000 Genomes Project. In the ESP, this variant was not observed in 6503 samples (13006 alleles) with coverage at this position. This amino acid position is highly conserved in available vertebrate species. In addition, the in silico prediction for this alteration is inconclusive. Since supporting evidence is limited at this time, the clinical significance of this alteration remains unclear.